The following is an entry in ClinVar:

NM_000222.3(KIT):c.2597-7_2597-6del

Gene: KIT (KIT proto-oncogene, receptor tyrosine kinase; plus strand). Cytogenetic location: 4q12.
Variant type: Microsatellite.
Coding change: c.2597-7_2597-6del on transcript NM_000222.3 (MANE Select); 7 bases into the intron before coding-DNA position 2597 through 6 bases into the intron before coding-DNA position 2597, 2 bases deleted (GT; older notation c.2597-7_2597-6delGT).
Molecular consequence: intron variant.
Genome position (GRCh38, 1-based): chr4:54,736,714-54,736,715, GT deleted; deleting any 2 consecutive bases within chr4:54,736,711-54,736,715 gives the same sequence; the c. name uses the placement nearest the transcript's 3' end. VCF-style (leftmost placement, unchanged base first): chr4-54736710-CTG-C. GRCh37 (hg19) VCF-style: chr4-55602876-CTG-C.
Other names: c.2600-7_2600-6del (NM_001385284.1); c.2597-7_2597-6del (NM_001385290.1); c.2588-7_2588-6del (NM_001385288.1); c.2585-7_2585-6del (NM_001385292.1, NM_001093772.2); c.2594-7_2594-6del (NM_001385285.1); c.2582-7_2582-6del (NM_001385286.1).
Identifiers: ClinVar variation 864260 (VCV000864260.9), dbSNP rs1722939332, ClinGen allele CA916081456.

ClinVar aggregate classification (germline): Likely benign. Review status: criteria provided, multiple submitters, no conflicts (2 of 4 stars). 2 submissions from 2 submitters: Likely benign (2). Last evaluated 2026-06-01.

Conditions:
Gastrointestinal stromal tumor. Also called: Gastrointestinal stromal tumor, somatic; Gastrointestinal stroma tumor. Identifiers: Orphanet 44890, MedGen C0238198, MeSH D046152, MONDO:0011719, OMIM 606764, HP:0100723.

Submissions (2):

Myriad Genetics, Inc.
Classification: Likely benign for Gastrointestinal stromal tumor. Last evaluated: 2026-06-01. Review status: criteria provided, single submitter. Criteria: Myriad Autosomal Dominant, Autosomal Recessive and X-Linked Classification Criteria (2023). Collection method: clinical testing. Allele origin: unknown.
Comment: This variant is considered likely benign. This variant is intronic and is not expected to impact mRNA splicing.

Labcorp Genetics (formerly Invitae), Labcorp
Classification: Likely benign for Gastrointestinal stromal tumor. Last evaluated: 2025-12-30. Review status: criteria provided, single submitter. Criteria: Invitae Variant Classification Sherloc (09022015). Collection method: clinical testing. Allele origin: germline.